The following is an entry in ClinVar:

NM_000222.3(KIT):c.1444G>A (p.Ala482Thr)

Gene: KIT (KIT proto-oncogene, receptor tyrosine kinase; plus strand). Cytogenetic location: 4q12.
Variant type: single nucleotide variant.
Coding change: c.1444G>A on transcript NM_000222.3 (MANE Select); coding-DNA position 1444, G replaced by A.
Protein change: p.Ala482Thr; replaces alanine 482 with threonine.
Molecular consequence: missense variant.
Genome position (GRCh38, 1-based): chr4:54,725,954, G>A. VCF-style: chr4-54725954-G-A. GRCh37 (hg19) VCF-style: chr4-55592120-G-A.
Other names: c.1444G>A, p.Ala482Thr (NM_001093772.2, NM_001385285.1, NM_001385286.1); c.1447G>A, p.Ala483Thr (NM_001385284.1, NM_001385288.1, NM_001385290.1 and 1 more transcripts); short protein forms A482T, A483T.
Identifiers: ClinVar variation 409789 (VCV000409789.16), dbSNP rs1060502569, ClinGen allele CA16611597.

ClinVar aggregate classification (germline): Conflicting classifications of pathogenicity. Review status: criteria provided, conflicting classifications (1 of 4 stars). 3 submissions from 3 submitters: Uncertain significance (2); Likely benign (1). Last evaluated 2025-12-09.

Conditions:
Hereditary cancer-predisposing syndrome. Also called: Neoplastic Syndromes, Hereditary; Tumor predisposition; Hereditary Cancer Syndrome; Hereditary neoplastic syndrome. Identifiers: Orphanet 140162, MedGen C0027672, MeSH D009386, MONDO:0015356.
Gastrointestinal stromal tumor. Also called: Gastrointestinal stroma tumor; Gastrointestinal stromal tumor, somatic. Identifiers: Orphanet 44890, MedGen C0238198, MeSH D046152, MONDO:0011719, OMIM 606764, HP:0100723.

Allele frequency attached by ClinVar (database versions not stated): gnomAD exomes below 0.00001; gnomAD 0.00001.

Submissions (3):

Labcorp Genetics (formerly Invitae), Labcorp
Classification: Uncertain significance for Gastrointestinal stromal tumor. Last evaluated: 2025-12-09. Review status: criteria provided, single submitter. Criteria: Invitae Variant Classification Sherloc (09022015). Collection method: clinical testing. Allele origin: germline.
Comment: This sequence change replaces alanine, which is neutral and non-polar, with threonine, which is neutral and polar, at codon 482 of the KIT protein (p.Ala482Thr). This variant is present in population databases (no rsID available, gnomAD 0.0009%). This variant has not been reported in the literature in individuals affected with KIT-related conditions. ClinVar contains an entry for this variant (Variation ID: 409789). An algorithm developed to predict the effect of missense changes on protein structure and function outputs the following: PolyPhen-2: "Benign". The threonine amino acid residue is found in multiple mammalian species, which suggests that this missense change does not adversely affect protein function. In summary, the available evidence is currently insufficient to determine the role of this variant in disease. Therefore, it has been classified as a Variant of Uncertain Significance.

Ambry Genetics
Classification: Uncertain significance for Hereditary cancer-predisposing syndrome. Last evaluated: 2024-03-19. Review status: criteria provided, single submitter. Criteria: Ambry Variant Classification Scheme 2023. Collection method: clinical testing. Allele origin: germline.
Comment: The p.A482T variant (also known as c.1444G>A), located in coding exon 9 of the KIT gene, results from a G to A substitution at nucleotide position 1444. The alanine at codon 482 is replaced by threonine, an amino acid with similar properties. This amino acid position is not well conserved in available vertebrate species. In addition, this alteration is predicted to be tolerated by in silico analysis. Since supporting evidence is limited at this time, the clinical significance of this alteration remains unclear.

Blueprint Genetics
Classification: Likely benign. Last evaluated: 2021-02-24. Review status: criteria provided, single submitter. Criteria: ACMG Guidelines, 2015. Collection method: clinical testing. Allele origin: germline.